The following is an entry in ClinVar:

NM_000138.5(FBN1):c.8088C>T (p.Asn2696=)

Gene: FBN1 (fibrillin 1; minus strand). Cytogenetic location: 15q21.1.
Variant type: single nucleotide variant.
Coding change: c.8088C>T on transcript NM_000138.5 (MANE Select); coding-DNA position 8088, C replaced by T.
Protein change: p.Asn2696=; no amino-acid change (asparagine 2696 retained).
Molecular consequence: synonymous variant.
Genome position (GRCh38, 1-based): chr15:48,412,707, G>A on the plus strand (C>T on the coding strand, the complement: FBN1 is on the minus strand). VCF-style: chr15-48412707-G-A. GRCh37 (hg19) VCF-style: chr15-48704904-G-A.
Other names: c.8088C>T, p.Asn2696= (NM_001406716.1).
Identifiers: ClinVar variation 3348344 (VCV003348344.3).

ClinVar aggregate classification (germline): Likely benign. Review status: criteria provided, multiple submitters, no conflicts (2 of 4 stars). 3 submissions from 3 submitters: Likely benign (2). 1 of the submissions does not count toward it. Last evaluated 2025-09-29.

Conditions:
FBN1-related disorder. Also called: FBN1-related disorders.
Familial thoracic aortic aneurysm and aortic dissection (TAAD). Also called: Thoracic aortic aneurysms and dissections. Identifiers: Orphanet 91387, MedGen C4707243, MONDO:0019625.

Submissions (3):

Color Diagnostics, LLC DBA Color Health
Classification: Likely benign for Familial thoracic aortic aneurysm and aortic dissection. Last evaluated: 2025-09-29. Review status: criteria provided, single submitter. Criteria: ACMG Guidelines, 2015. Collection method: clinical testing. Allele origin: germline.

Ambry Genetics
Classification: Likely benign for Familial thoracic aortic aneurysm and aortic dissection. Last evaluated: 2024-10-08. Review status: criteria provided, single submitter. Criteria: Ambry Variant Classification Scheme 2023. Collection method: clinical testing. Allele origin: germline.

PreventionGenetics, part of Exact Sciences
Classification: Likely benign for FBN1-related condition. Last evaluated: 2024-08-23. Review status: no assertion criteria provided. Collection method: clinical testing. Allele origin: germline. Not counted in ClinVar's aggregate classification.
Comment: This variant is classified as likely benign based on ACMG/AMP sequence variant interpretation guidelines (Richards et al. 2015 PMID: 25741868, with internal and published modifications).